The following is an entry in ClinVar:

NM_001114753.3(ENG):c.1852+42C>T

Gene: ENG (endoglin; minus strand). Cytogenetic location: 9q34.11.
Variant type: single nucleotide variant.
Coding change: c.1852+42C>T on transcript NM_001114753.3 (MANE Select); 42 bases into the intron after coding-DNA position 1852, C replaced by T.
Molecular consequence: intron variant.
Genome position (GRCh38, 1-based): chr9:127,815,901, G>A on the plus strand (C>T on the coding strand, the complement: ENG is on the minus strand). VCF-style: chr9-127815901-G-A. GRCh37 (hg19) VCF-style: chr9-130578180-G-A.
Other names: c.*16C>T (NM_000118.4); c.1306+42C>T (NM_001278138.2); c.1852+42C>T (NM_001114753.2).
Identifiers: ClinVar variation 914989 (VCV000914989.16), dbSNP rs779974705, ClinGen allele CA5252612.

ClinVar aggregate classification (germline): Conflicting classifications of pathogenicity. Review status: criteria provided, conflicting classifications (1 of 4 stars). 5 submissions from 5 submitters: Uncertain significance (2); Likely benign (2). 1 of the submissions does not count toward it. Last evaluated 2026-04-01.

Conditions:
Telangiectasia, hereditary hemorrhagic, type 1 (HHT1). Also called: Osler Weber Rendu syndrome type 1; ENG-Related Hereditary Hemorrhagic Telangiectasia. Identifiers: Orphanet 774, MedGen C4551861, MONDO:0008535, OMIM 187300. Disease mechanism: loss of function.
Hereditary hemorrhagic telangiectasia (HHT). Also called: ORW DISEASE; Osler Weber Rendu syndrome; OSLER-RENDU-WEBER DISEASE; Osler hemorrhagic telangiectasia syndrome. Identifiers: Orphanet 774, MedGen C0039445, MONDO:0019180. Disease mechanism: loss of function.
ENG-related disorder. Also called: ENG-related condition; ENG-related disorders.

Allele frequency attached by ClinVar (database versions not stated): ExAC 0.00013; gnomAD exomes 0.00012; gnomAD 0.00006; TOPMed 0.00008.
gnomAD v4.1: 92 of 1,574,510 alleles (0.0058%); highest among the groups gnomAD compares: Middle Eastern, 0.14%; no homozygotes.

Submissions (5):

Women's Health and Genetics/Laboratory Corporation of America, LabCorp
Classification: Likely benign. Last evaluated: 2026-04-01. Review status: criteria provided, single submitter. Criteria: LabCorp Variant Classification Summary - May 2015. Collection method: clinical testing. Allele origin: germline.
Comment: Variant summary: ENG c.*16C>T is located in the untranslated mRNA region downstream of the termination codon. This variant is also annotated as c.1852+42C>T in NM_001114753.3 where it is located at a position not widely known to affect splicing. Consensus agreement among computation tools predict no significant impact on normal splicing. Additionally, at least one publication reports evidence suggesting this variant does not impact splicing, supporting these predictions (Plumitallo_2018). The variant allele was found at a frequency of 0.00012 in 186622 control chromosomes, predominantly at a frequency of 0.00054 within the Latino subpopulation in the gnomAD database. The observed variant frequency within Latino control individuals in the gnomAD database exceeds the estimated maximal expected allele frequency for disease-causing variants in ENG. This variant has been observed in an individual with a diagnosis of pulmonary arterial hypertension and clinical features of Hereditary Hemorrhagic Telangiectasia (HTT) and it was also found in two relatives with symptoms of HTT but no specific clinical information was described for these family members (Plumitallo_2018). At least one publication reports experimental evidence evaluating an impact on protein function and found the variant resulted in >55%-75% of WT protein expression in vitro (Plumitallo_2018). The following publication has been ascertained in the context of this evaluation (PMID: 29305977). ClinVar contains an entry for this variant (Variation ID: 914989). Based on the evidence outlined above, the variant was classified as likely benign.

ARUP Laboratories, Molecular Genetics and Genomics, ARUP Laboratories
Classification: Uncertain significance for Telangiectasia, hereditary hemorrhagic, type 1. Last evaluated: 2023-10-17. Review status: criteria provided, single submitter. Criteria: ARUP Molecular Germline Variant Investigation Process 2024. Collection method: clinical testing. Allele origin: germline.
Comment: The ENG c.1852+42C>T variant (rs779974705) is reported in the literature in an individual with HHT who presented with PAH as the main clinical manifestation (Plumitallo 2018). This variant was also found to segregate with HHT in two additional affected family members and was absent from two asymptomatic individuals (Plumitallo 2018). Functional analyses demonstrated this variant significantly reduces endoglin protein expression by altering a binding-site for the Sp1 transcription factor (Plumitallo 2018). This variant is reported in ClinVar (Variation ID: 914989). It is found in the general population with an overall allele frequency of 0.01% (24/217994 alleles) in the Genome Aggregation Database. Based on currently available information, the clinical significance of this variant is uncertain at this time. References: Plumitallo S et al. Functional analysis of a novel ENG variant in a patient with hereditary hemorrhagic telangiectasia (HHT) identifies a new Sp1 binding-site. Gene. 2018 Mar 20;647:85-92. PMID: 29305977.

Labcorp Genetics (formerly Invitae), Labcorp
Classification: Likely benign for Hereditary hemorrhagic telangiectasia. Last evaluated: 2023-07-17. Review status: criteria provided, single submitter. Criteria: Invitae Variant Classification Sherloc (09022015). Collection method: clinical testing. Allele origin: germline.

Illumina Laboratory Services, Illumina
Classification: Uncertain significance for Telangiectasia, hereditary hemorrhagic, type 1. Last evaluated: 2018-01-12. Review status: criteria provided, single submitter. Criteria: ICSL Variant Classification Criteria 13 December 2019. Collection method: clinical testing. Allele origin: germline.

PreventionGenetics, part of Exact Sciences
Classification: Likely benign for ENG-related condition. Last evaluated: 2019-03-29. Review status: no assertion criteria provided. Collection method: clinical testing. Allele origin: germline. Not counted in ClinVar's aggregate classification.
Comment: This variant is classified as likely benign based on ACMG/AMP sequence variant interpretation guidelines (Richards et al. 2015 PMID: 25741868, with internal and published modifications).

Literature cited by the submitters: PubMed 29305977 (cited by Women's Health and Genetics/Laboratory Corporation of America, LabCorp).